The following is an entry in ClinVar:

NM_000465.4(BARD1):c.865C>G (p.Pro289Ala)

Gene: BARD1 (BRCA1 associated RING domain 1; minus strand). Cytogenetic location: 2q35.
Variant type: single nucleotide variant.
Coding change: c.865C>G on transcript NM_000465.4 (MANE Select); coding-DNA position 865, C replaced by G.
Protein change: p.Pro289Ala; replaces proline 289 with alanine.
Molecular consequence: missense variant. On other transcripts: non-coding transcript variant (2), intron variant (3).
Genome position (GRCh38, 1-based): chr2:214,781,009, G>C on the plus strand (C>G on the coding strand, the complement: BARD1 is on the minus strand). VCF-style: chr2-214781009-G-C. GRCh37 (hg19) VCF-style: chr2-215645733-G-C.
Other names: c.808C>G, p.Pro270Ala (NM_001282543.2); c.158+28403C>G (NM_001282548.2); c.215+16052C>G (NM_001282545.2); c.364+11288C>G (NM_001282549.2); short protein forms P289A, P270A.
Identifiers: ClinVar variation 822634 (VCV000822634.10), dbSNP rs1553622386, ClinGen allele CA350455197.

ClinVar aggregate classification (germline): Uncertain significance. Review status: criteria provided, multiple submitters, no conflicts (2 of 4 stars). 2 submissions from 2 submitters: Uncertain significance (2). Last evaluated 2024-09-12.

Conditions:
Hereditary cancer-predisposing syndrome. Also called: Tumor predisposition; Hereditary Cancer Syndrome; Neoplastic Syndromes, Hereditary; Hereditary neoplastic syndrome. Identifiers: Orphanet 140162, MedGen C0027672, MeSH D009386, MONDO:0015356.
Familial cancer of breast. Also called: BREAST CANCER, FAMILIAL; Hereditary breast cancer; hereditary breast carcinoma. Identifiers: Orphanet 227535, MedGen C0346153, MONDO:0016419, OMIM 114480. Disease mechanism: loss of function.

gnomAD v4.1: 1 of 1,612,942 alleles (0.000062%); highest among the groups gnomAD compares: Non-Finnish European, 0.000085%; no homozygotes.

Submissions (2):

Ambry Genetics
Classification: Uncertain significance for Hereditary cancer-predisposing syndrome. Last evaluated: 2024-09-12. Review status: criteria provided, single submitter. Criteria: Ambry Variant Classification Scheme 2023. Collection method: clinical testing. Allele origin: germline.
Comment: The p.P289A variant (also known as c.865C>G), located in coding exon 4 of the BARD1 gene, results from a C to G substitution at nucleotide position 865. The proline at codon 289 is replaced by alanine, an amino acid with highly similar properties. This amino acid position is well conserved in available vertebrate species. In addition, this alteration is predicted to be tolerated by in silico analysis. Since supporting evidence is limited at this time, the clinical significance of this alteration remains unclear.

Labcorp Genetics (formerly Invitae), Labcorp
Classification: Uncertain significance for Familial cancer of breast. Last evaluated: 2022-07-17. Review status: criteria provided, single submitter. Criteria: Invitae Variant Classification Sherloc (09022015). Collection method: clinical testing. Allele origin: germline.
Comment: In summary, the available evidence is currently insufficient to determine the role of this variant in disease. Therefore, it has been classified as a Variant of Uncertain Significance. Algorithms developed to predict the effect of missense changes on protein structure and function (SIFT, PolyPhen-2, Align-GVGD) all suggest that this variant is likely to be tolerated. ClinVar contains an entry for this variant (Variation ID: 822634). This variant has not been reported in the literature in individuals affected with BARD1-related conditions. This variant is not present in population databases (gnomAD no frequency). This sequence change replaces proline, which is neutral and non-polar, with alanine, which is neutral and non-polar, at codon 289 of the BARD1 protein (p.Pro289Ala).